The following is an entry in ClinVar:

NM_024580.6(EFL1):c.7C>G (p.Leu3Val)

Gene: EFL1 (elongation factor like GTPase 1; minus strand). Cytogenetic location: 15q25.2.
Variant type: single nucleotide variant.
Coding change: c.7C>G on transcript NM_024580.6 (MANE Select); coding-DNA position 7, C replaced by G.
Protein change: p.Leu3Val; replaces leucine 3 with valine.
Molecular consequence: missense variant. On other transcripts: 5 prime UTR variant (1), non-coding transcript variant (1).
Genome position (GRCh38, 1-based): chr15:82,261,772, G>C on the plus strand (C>G on the coding strand, the complement: EFL1 is on the minus strand). VCF-style: chr15-82261772-G-C. GRCh37 (hg19) VCF-style: chr15-82554113-G-C.
Other names: c.7C>G, p.Leu3Val (NM_001040610.3, NM_001322845.2); c.-698C>G (NM_001322844.2); short protein forms L3V.
Identifiers: ClinVar variation 1990386 (VCV001990386.4), dbSNP rs1441459070, ClinGen allele CA393286727.

ClinVar aggregate classification (germline): Uncertain significance (1 of 4 stars; one submission).

Submission:

Labcorp Genetics (formerly Invitae), Labcorp
Classification: Uncertain significance. Last evaluated: 2022-01-15. Review status: criteria provided, single submitter. Criteria: Invitae Variant Classification Sherloc (09022015). Collection method: clinical testing. Allele origin: germline.
Comment: This variant has not been reported in the literature in individuals affected with EFL1-related conditions. This sequence change replaces leucine, which is neutral and non-polar, with valine, which is neutral and non-polar, at codon 3 of the EFL1 protein (p.Leu3Val). This variant is present in population databases (no rsID available, gnomAD 0.02%). Algorithms developed to predict the effect of missense changes on protein structure and function (SIFT, PolyPhen-2, Align-GVGD) all suggest that this variant is likely to be tolerated. In summary, the available evidence is currently insufficient to determine the role of this variant in disease. Therefore, it has been classified as a Variant of Uncertain Significance.